The following is an entry in ClinVar:

ClinVar aggregate classification (germline): Likely benign (1 of 4 stars; one submission).

Submission:

GeneDx
Classification: Likely benign. Last evaluated: 2015-11-30. Review status: criteria provided, single submitter. Criteria: GeneDx Variant Classification (06012015). Collection method: clinical testing. Allele origin: germline. Affected: yes.
Comment: This variant is considered likely benign or benign based on one or more of the following criteria: it is a conservative change, it occurs at a poorly conserved position in the protein, it is predicted to be benign by multiple in silico algorithms, and/or has population frequency not consistent with disease.

NM_002691.4(POLD1):c.3219-16C>T

Gene: POLD1 (DNA polymerase delta 1, catalytic subunit; plus strand). Cytogenetic location: 19q13.33.
Variant type: single nucleotide variant.
Coding change: c.3219-16C>T on transcript NM_002691.4 (MANE Select); 16 bases into the intron before coding-DNA position 3219, C replaced by T.
Molecular consequence: intron variant.
Genome position (GRCh38, 1-based): chr19:50,417,826, C>T. VCF-style: chr19-50417826-C-T. GRCh37 (hg19) VCF-style: chr19-50921083-C-T.
Other names: c.3219-16C>T (NM_001256849.1, LRG_785t1); c.3297-16C>T (NM_001308632.1, LRG_785t2).
Identifiers: ClinVar variation 381944 (VCV000381944.1), dbSNP rs1057521216, ClinGen allele CA16608381.